The following is an entry in ClinVar:

ClinVar aggregate classification (germline): Likely benign (0 of 4 stars; one submission).

Conditions:
PLXNA1-related disorder. Also called: PLXNA1-related condition.

Submission:

PreventionGenetics, part of Exact Sciences
Classification: Likely benign for PLXNA1-related condition. Last evaluated: 2023-09-05. Review status: no assertion criteria provided. Collection method: clinical testing. Allele origin: germline.
Comment: This variant is classified as likely benign based on ACMG/AMP sequence variant interpretation guidelines (Richards et al. 2015 PMID: 25741868, with internal and published modifications).

NM_032242.4(PLXNA1):c.4231C>T (p.Leu1411=)

Gene: PLXNA1 (plexin A1; plus strand). Cytogenetic location: 3q21.3.
Variant type: single nucleotide variant.
Coding change: c.4231C>T on transcript NM_032242.4 (MANE Select); coding-DNA position 4231, C replaced by T.
Protein change: p.Leu1411=; no amino-acid change (leucine 1411 retained).
Molecular consequence: synonymous variant.
Genome position (GRCh38, 1-based): chr3:127,022,277, C>T. VCF-style: chr3-127022277-C-T. GRCh37 (hg19) VCF-style: chr3-126741120-C-T.
Identifiers: ClinVar variation 3349950 (VCV003349950.1).